The following is an entry in ClinVar:

ClinVar aggregate classification (germline): Uncertain significance (1 of 4 stars; one submission).

Conditions:
Candidiasis, familial, 9 (CANDF9). Identifiers: Orphanet 1334, MedGen C4225324, MONDO:0014642, OMIM 616445.

Allele frequency attached by ClinVar (database versions not stated): TOPMed below 0.00001; gnomAD exomes 0.00001 and 0.00002; ExAC 0.00003.
gnomAD v4.1: 25 of 1,608,748 alleles (0.0016%); highest among the groups gnomAD compares: Non-Finnish European, 0.002%; no homozygotes.

Submission:

Labcorp Genetics (formerly Invitae), Labcorp
Classification: Uncertain significance for Candidiasis, familial, 9. Last evaluated: 2023-04-12. Review status: criteria provided, single submitter. Criteria: Invitae Variant Classification Sherloc (09022015). Collection method: clinical testing. Allele origin: germline.
Comment: This sequence change creates a premature translational stop signal (p.Trp245*) in the IL17RC gene. It is expected to result in an absent or disrupted protein product. However, the current clinical and genetic evidence is not sufficient to establish whether loss-of-function variants in IL17RC cause disease. The frequency data for this variant in the population databases is considered unreliable, as metrics indicate poor data quality at this position in the gnomAD database. This variant has not been reported in the literature in individuals affected with IL17RC-related conditions. ClinVar contains an entry for this variant (Variation ID: 965398). In summary, the available evidence is currently insufficient to determine the role of this variant in disease. Therefore, it has been classified as a Variant of Uncertain Significance.

NM_153460.4(IL17RC):c.521G>A (p.Trp174Ter)

Gene: IL17RC (interleukin 17 receptor C; plus strand). Cytogenetic location: 3p25.3.
Variant type: single nucleotide variant.
Coding change: c.521G>A on transcript NM_153460.4 (MANE Select); coding-DNA position 521, G replaced by A.
Protein change: p.Trp174Ter; replaces tryptophan 174 with a stop codon.
Molecular consequence: nonsense. On other transcripts: non-coding transcript variant (1).
Genome position (GRCh38, 1-based): chr3:9,920,546, G>A. VCF-style: chr3-9920546-G-A. GRCh37 (hg19) VCF-style: chr3-9962230-G-A.
Other names: c.521G>A, p.Trp174Ter (NM_001203263.2, NM_001203264.2, NM_001203265.2 and 3 more transcripts); c.446G>A, p.Trp149Ter (NM_001367279.1); c.734G>A, p.Trp245Ter (NM_153461.4); short protein forms W149*, W174*, W245*.
Identifiers: ClinVar variation 965398 (VCV000965398.7), dbSNP rs753277952, ClinGen allele CA2246858.